The following is an entry in ClinVar:

NM_001267550.2(TTN):c.45009T>A (p.Cys15003Ter)

Genes: TTN (titin; minus strand), LOC126806427 (BRD4-independent group 4 enhancer GRCh37_chr2:179485777-179486976; plus strand). Cytogenetic location: 2q31.2.
Variant type: single nucleotide variant.
Coding change: c.45009T>A on transcript NM_001267550.2 (MANE Select); coding-DNA position 45009, T replaced by A.
Protein change: p.Cys15003Ter; replaces cysteine 15003 with a stop codon.
Molecular consequence: nonsense.
Genome position (GRCh38, 1-based): chr2:178,621,913, A>T on the plus strand (T>A on the coding strand, the complement: TTN is on the minus strand). VCF-style: chr2-178621913-A-T. GRCh37 (hg19) VCF-style: chr2-179486640-A-T.
Other names: c.40086T>A, p.Cys13362Ter (NM_001256850.1); c.17814T>A, p.Cys5938Ter (NM_003319.4); c.37305T>A, p.Cys12435Ter (NM_133378.4); c.18189T>A, p.Cys6063Ter (NM_133432.3); c.18390T>A, p.Cys6130Ter (NM_133437.4); short protein forms C12435*, C13362*, C15003*, C5938*, C6063*, C6130*.
Identifiers: ClinVar variation 3223204 (VCV003223204.1), dbSNP rs2058350211, ClinGen allele CA349637867.

ClinVar aggregate classification (germline): Likely pathogenic (1 of 4 stars; one submission).

Conditions:
Cardiovascular phenotype. Identifiers: MedGen CN230736.

Submission:

Ambry Genetics
Classification: Likely pathogenic for Cardiovascular phenotype. Last evaluated: 2023-12-09. Review status: criteria provided, single submitter. Criteria: Ambry Variant Classification Scheme 2023. Collection method: clinical testing. Allele origin: germline.
Comment: The p.C5938* variant (also known as c.17814T>A), located in coding exon 71 of the TTN gene, results from a T to A substitution at nucleotide position 17814. This changes the amino acid from a cysteine to a stop codon within coding exon 71. This exon is located in the I-band region of the N2-B isoform of the titin protein and is constitutively expressed in TTN transcripts (percent spliced in or PSI 100%). This alteration is expected to result in loss of function by premature protein truncation or nonsense-mediated mRNA decay. While truncating variants in TTN are present in 1-3% of the general population, truncating variants in the A-band are the most common cause of dilated cardiomyopathy (DCM) (Herman DS et al. N. Engl. J. Med., 2012 Feb;366:619-28; Roberts AM et al. Sci Transl Med, 2015 Jan;7:270ra6). TTN truncating variants encoded in constitutive exons (PSI >90%) have been found to be significantly associated with DCM regardless of their position in titin (Schafer S et al. Nat. Genet., 2017 01;49:46-53). This variant is considered to be rare based on population cohorts in the Genome Aggregation Database (gnomAD). Based on the majority of available evidence to date, this variant is likely to be pathogenic.